The following is an entry in ClinVar:

NM_000260.4(MYO7A):c.1666G>A (p.Gly556Ser)

Gene: MYO7A (myosin VIIA; plus strand). Cytogenetic location: 11q13.5.
Variant type: single nucleotide variant.
Coding change: c.1666G>A on transcript NM_000260.4 (MANE Select); coding-DNA position 1666, G replaced by A.
Protein change: p.Gly556Ser; replaces glycine 556 with serine.
Molecular consequence: missense variant.
Genome position (GRCh38, 1-based): chr11:77,162,964, G>A. VCF-style: chr11-77162964-G-A. GRCh37 (hg19) VCF-style: chr11-76874010-G-A.
Other names: c.1666G>A, p.Gly556Ser (NM_001127180.2); c.1633G>A, p.Gly545Ser (NM_001369365.1); short protein forms G545S, G556S.
Identifiers: ClinVar variation 2873445 (VCV002873445.5), dbSNP rs370331045, ClinGen allele CA6197548.

ClinVar aggregate classification (germline): Conflicting classifications of pathogenicity. Review status: criteria provided, conflicting classifications (1 of 4 stars). 3 submissions from 3 submitters: Likely pathogenic (1); Uncertain significance (2). Last evaluated 2026-03-03.

Allele frequency attached by ClinVar (database versions not stated): gnomAD 0.00001; TOPMed 0.00001; ExAC 0.00002; ESP Exome Variant Server 0.00008; 1000 Genomes Project 0.00020; 1000 Genomes Project 30x 0.00031.
gnomAD v4.1: 1 of 1,613,878 alleles (0.000062%); highest among the groups gnomAD compares: African/African-American, 0.0013%; no homozygotes.

Submissions (3):

Women's Health and Genetics/Laboratory Corporation of America, LabCorp
Classification: Uncertain significance. Last evaluated: 2026-03-03. Review status: criteria provided, single submitter. Criteria: LabCorp Variant Classification Summary - May 2015. Collection method: clinical testing. Allele origin: germline.
Comment: Variant summary: MYO7A c.1666G>A (p.Gly556Ser) results in a non-conservative amino acid change in the encoded protein sequence. Algorithms developed to predict the effect of missense changes on protein structure and function all suggest that this variant is likely to be disruptive. The variant allele was found at a frequency of 8e-06 in 249246 control chromosomes. The available data on variant occurrences in the general population are insufficient to allow any conclusion about variant significance. To our knowledge, no occurrence of c.1666G>A in individuals affected with MYO7A-related conditions and no experimental evidence demonstrating its impact on protein function have been reported. ClinVar contains an entry for this variant (Variation ID: 2873445). Based on the evidence outlined above, the variant was classified as uncertain significance.

Labcorp Genetics (formerly Invitae), Labcorp
Classification: Likely pathogenic. Last evaluated: 2023-06-16. Review status: criteria provided, single submitter. Criteria: Invitae Variant Classification Sherloc (09022015). Collection method: clinical testing. Allele origin: germline.
Comment: In summary, the currently available evidence indicates that the variant is pathogenic, but additional data are needed to prove that conclusively. Therefore, this variant has been classified as Likely Pathogenic. This variant disrupts the p.Gly556 amino acid residue in MYO7A. Other variant(s) that disrupt this residue have been determined to be pathogenic (PMID: 25324289, 34824372). This suggests that this residue is clinically significant, and that variants that disrupt this residue are likely to be disease-causing. Advanced modeling of protein sequence and biophysical properties (such as structural, functional, and spatial information, amino acid conservation, physicochemical variation, residue mobility, and thermodynamic stability) performed at Invitae indicates that this missense variant is expected to disrupt MYO7A protein function. This variant has not been reported in the literature in individuals affected with MYO7A-related conditions. This variant is present in population databases (rs370331045, gnomAD 0.01%). This sequence change replaces glycine, which is neutral and non-polar, with serine, which is neutral and polar, at codon 556 of the MYO7A protein (p.Gly556Ser).

Blueprint Genetics
Classification: Uncertain significance. Last evaluated: 2022-04-09. Review status: criteria provided, single submitter. Criteria: ACMG Guidelines, 2015. Collection method: clinical testing. Allele origin: germline.

Literature cited by the submitters: PubMed 25324289 (cited by Labcorp Genetics (formerly Invitae), Labcorp); PubMed 34824372 (cited by Labcorp Genetics (formerly Invitae), Labcorp).